The following is an entry in ClinVar:

ClinVar aggregate classification (germline): Uncertain significance (1 of 4 stars; one submission).

Submission:

Labcorp Genetics (formerly Invitae), Labcorp
Classification: Uncertain significance. Last evaluated: 2024-11-05. Review status: criteria provided, single submitter. Criteria: Invitae Variant Classification Sherloc (09022015). Collection method: clinical testing. Allele origin: germline.
Comment: This sequence change falls in intron 45 of the SZT2 gene. It does not directly change the encoded amino acid sequence of the SZT2 protein. Information on the frequency of this variant in the gnomAD database is not available, as this variant may be reported differently in the database. This variant has not been reported in the literature in individuals affected with SZT2-related conditions. Experimental studies and prediction algorithms are not available or were not evaluated, and the effect of this variant on mRNA splicing is currently unknown. In summary, the available evidence is currently insufficient to determine the role of this variant in disease. Therefore, it has been classified as a Variant of Uncertain Significance.

NM_001365999.1(SZT2):c.6508+16_6508+17delinsTA

Gene: SZT2 (SZT2 subunit of KICSTOR complex; plus strand). Cytogenetic location: 1p34.2.
Variant type: Indel.
Coding change: c.6508+16_6508+17delinsTA on transcript NM_001365999.1 (MANE Select); bases 16 to 17 of the intron after coding-DNA position 6508, GG replaced by TA.
Molecular consequence: intron variant.
Genome position (GRCh38, 1-based): chr1:43,437,918-43,437,919, GG replaced by TA. VCF-style: chr1-43437918-GG-TA. GRCh37 (hg19) VCF-style: chr1-43903589-GG-TA.
Other names: c.6337+16_6337+17delinsTA (NM_015284.4).
Identifiers: ClinVar variation 3724713 (VCV003724713.2).